The following is an entry in ClinVar:

ClinVar aggregate classification (germline): Likely benign (1 of 4 stars; one submission).

Allele frequency attached by ClinVar (database versions not stated): TOPMed 0.00002.

Submission:

CeGaT Center for Human Genetics Tuebingen
Classification: Likely benign. Last evaluated: 2026-06-01. Review status: criteria provided, single submitter. Criteria: CeGaT Center For Human Genetics Tuebingen Variant Classification Criteria Version 2. Collection method: clinical testing. Allele origin: germline. Affected: yes. Observed: 2 variant alleles.
Comment: ZNF267: PM2:Supporting, BP4, BP7

NM_003414.6(ZNF267):c.852A>G (p.Gln284=)

Gene: ZNF267 (zinc finger protein 267; plus strand). Cytogenetic location: 16p11.2.
Variant type: single nucleotide variant.
Coding change: c.852A>G on transcript NM_003414.6 (MANE Select); coding-DNA position 852, A replaced by G.
Protein change: p.Gln284=; no amino-acid change (glutamine 284 retained).
Molecular consequence: synonymous variant. On other transcripts: non-coding transcript variant (1).
Genome position (GRCh38, 1-based): chr16:31,915,101, A>G. VCF-style: chr16-31915101-A-G. GRCh37 (hg19) VCF-style: chr16-31926422-A-G.
Other names: c.756A>G, p.Gln252= (NM_001265588.2).
Identifiers: ClinVar variation 2646485 (VCV002646485.24), dbSNP rs201625708, ClinGen allele CA280430386.